The following is an entry in ClinVar:

NM_001353345.2(SETD1B):c.5530A>G (p.Met1844Val)

Gene: SETD1B (SET domain containing 1B, histone lysine methyltransferase; plus strand). Cytogenetic location: 12q24.31.
Variant type: single nucleotide variant.
Coding change: c.5530A>G on transcript NM_001353345.2 (MANE Select); coding-DNA position 5530, A replaced by G.
Protein change: p.Met1844Val; replaces methionine 1844 with valine.
Molecular consequence: missense variant.
Genome position (GRCh38, 1-based): chr12:121,827,795, A>G. VCF-style: chr12-121827795-A-G. GRCh37 (hg19) VCF-style: chr12-122265701-A-G.
Other names: short protein forms M1844V.
Identifiers: ClinVar variation 2505599 (VCV002505599.3), dbSNP rs895279043, ClinGen allele CA244660788.

ClinVar aggregate classification (germline): Uncertain significance. Review status: criteria provided, multiple submitters, no conflicts (2 of 4 stars). 2 submissions from 2 submitters: Uncertain significance (2). Last evaluated 2024-04-15.

Allele frequency attached by ClinVar (database versions not stated): TOPMed below 0.00001.

Submissions (2):

Women's Health and Genetics/Laboratory Corporation of America, LabCorp
Classification: Uncertain significance. Last evaluated: 2024-04-15. Review status: criteria provided, single submitter. Criteria: LabCorp Variant Classification Summary - May 2015. Collection method: clinical testing. Allele origin: germline.
Comment: Variant summary: SETD1B c.5530A>G (p.Met1844Val) results in a conservative amino acid change located in the SET domain (IPR001214) of the encoded protein sequence. Two of four in-silico tools predict a benign effect of the variant on protein function. The variant was absent in 166074 control chromosomes (gnomAD). The available data on variant occurrences in the general population are insufficient to allow any conclusion about variant significance. To our knowledge, no occurrence of c.5530A>G in individuals affected with Intellectual Developmental Disorder With Seizures And Language Delay and no experimental evidence demonstrating its impact on protein function have been reported. ClinVar contains an entry for this variant (Variation ID: 2505599). Based on the evidence outlined above, the variant was classified as uncertain significance.

GeneDx
Classification: Uncertain significance. Last evaluated: 2023-12-04. Review status: criteria provided, single submitter. Criteria: GeneDx Variant Classification Process June 2021. Collection method: clinical testing. Allele origin: germline. Affected: yes.
Comment: Not observed at significant frequency in large population cohorts (gnomAD); In silico analysis supports that this missense variant has a deleterious effect on protein structure/function; Has not been previously published as pathogenic or benign to our knowledge